The following is an entry in ClinVar:

NM_000260.4(MYO7A):c.5803C>A (p.Leu1935Met)

Gene: MYO7A (myosin VIIA; plus strand). Cytogenetic location: 11q13.5.
Variant type: single nucleotide variant.
Coding change: c.5803C>A on transcript NM_000260.4 (MANE Select); coding-DNA position 5803, C replaced by A.
Protein change: p.Leu1935Met; replaces leucine 1935 with methionine.
Molecular consequence: missense variant.
Genome position (GRCh38, 1-based): chr11:77,207,349, C>A. VCF-style: chr11-77207349-C-A. GRCh37 (hg19) VCF-style: chr11-76918394-C-A.
Other names: c.5689C>A, p.Leu1897Met (NM_001127180.2); c.5656C>A, p.Leu1886Met (NM_001369365.1); short protein forms L1886M, L1897M, L1935M.
Identifiers: ClinVar variation 4687735 (VCV004687735.1).

ClinVar aggregate classification (germline): Uncertain significance (1 of 4 stars; one submission).

Submission:

Women's Health and Genetics/Laboratory Corporation of America, LabCorp
Classification: Uncertain significance. Last evaluated: 2025-10-27. Review status: criteria provided, single submitter. Criteria: LabCorp Variant Classification Summary - May 2015. Collection method: clinical testing. Allele origin: germline.
Comment: Variant summary: MYO7A c.5803C>A (p.Leu1935Met) results in a conservative amino acid change in the encoded protein sequence. Algorithms developed to predict the effect of missense changes on protein structure and function are either unavailable or do not agree on the potential impact of this missense change. The variant was absent in 246906 control chromosomes. The available data on variant occurrences in the general population are insufficient to allow any conclusion about variant significance. c.5803C>A has been observed in individual(s) affected with Usher Syndrome (Besnard_2014). These report(s) do not provide unequivocal conclusions about association of the variant with Usher Syndrome. To our knowledge, no experimental evidence demonstrating an impact on protein function has been reported. The following publication have been ascertained in the context of this evaluation (PMID: 24498627). No submitters have cited clinical-significance assessments for this variant to ClinVar. Based on the evidence outlined above, the variant was classified as uncertain significance.

Literature cited by the submitters: PubMed 24498627.